The following is an entry in ClinVar:

ClinVar aggregate classification (germline): Uncertain significance. Review status: criteria provided, multiple submitters, no conflicts (2 of 4 stars). 4 submissions from 4 submitters: Uncertain significance (4). Last evaluated 2025-09-16.

Conditions:
Alstrom syndrome (ALMS). Identifiers: Orphanet 64, MedGen C0268425, MONDO:0008763, OMIM 203800.

Allele frequency attached by ClinVar (database versions not stated): gnomAD 0.00001; ExAC 0.00003; gnomAD exomes 0.00005.
gnomAD v4.1: 49 of 1,612,806 alleles (0.003%); highest among the groups gnomAD compares: South Asian, 0.033%; no homozygotes.

Submissions (4):

Labcorp Genetics (formerly Invitae), Labcorp
Classification: Uncertain significance for Alstrom syndrome. Last evaluated: 2025-09-16. Review status: criteria provided, single submitter. Criteria: Invitae Variant Classification Sherloc (09022015). Collection method: clinical testing. Allele origin: germline.
Comment: This sequence change replaces tyrosine, which is neutral and polar, with cysteine, which is neutral and slightly polar, at codon 1430 of the ALMS1 protein (p.Tyr1430Cys). This variant is present in population databases (rs763136053, gnomAD 0.03%). This variant has not been reported in the literature in individuals affected with ALMS1-related conditions. ClinVar contains an entry for this variant (Variation ID: 1398136). Experimental studies and prediction algorithms are not available or were not evaluated, and the functional significance of this variant is currently unknown. In summary, the available evidence is currently insufficient to determine the role of this variant in disease. Therefore, it has been classified as a Variant of Uncertain Significance.

ARUP Laboratories, Molecular Genetics and Genomics, ARUP Laboratories
Classification: Uncertain significance for Alstrom syndrome. Last evaluated: 2025-05-05. Review status: criteria provided, single submitter. Criteria: ARUP Molecular Germline Variant Investigation Process 2024. Collection method: clinical testing. Allele origin: germline.
Comment: The ALMS1 c.4286A>G; p.Tyr1429Cys variant (rs763136053), to our knowledge, is not reported in the medical literature but is reported in ClinVar (Variation ID: 1398136). This variant is observed in the South Asian population with an allele frequency of 0.033% (10/30600 alleles) in the Genome Aggregation Database (v2.1.1). Computational analyses predict that this variant is neutral (REVEL: 0.085). Due to limited information, the clinical significance of this variant is uncertain at this time.

GeneDx
Classification: Uncertain significance. Last evaluated: 2024-07-23. Review status: criteria provided, single submitter. Criteria: GeneDx Variant Classification Process June 2021. Collection method: clinical testing. Allele origin: germline. Affected: yes.
Comment: In silico analysis supports that this missense variant has a deleterious effect on protein structure/function; Has not been previously published as pathogenic or benign to our knowledge

Blueprint Genetics
Classification: Uncertain significance. Last evaluated: 2022-03-28. Review status: criteria provided, single submitter. Criteria: ACMG Guidelines, 2015. Collection method: clinical testing. Allele origin: germline.

NM_001378454.1(ALMS1):c.4286A>G (p.Tyr1429Cys)

Gene: ALMS1 (ALMS1 centrosome and basal body associated protein; plus strand). Cytogenetic location: 2p13.1.
Variant type: single nucleotide variant.
Coding change: c.4286A>G on transcript NM_001378454.1 (MANE Select); coding-DNA position 4286, A replaced by G.
Protein change: p.Tyr1429Cys; replaces tyrosine 1429 with cysteine.
Molecular consequence: missense variant.
Genome position (GRCh38, 1-based): chr2:73,450,813, A>G. VCF-style: chr2-73450813-A-G. GRCh37 (hg19) VCF-style: chr2-73677940-A-G.
Other names: c.4289A>G, p.Tyr1430Cys (NM_015120.4); short protein forms Y1429C, Y1430C.
Identifiers: ClinVar variation 1398136 (VCV001398136.7), dbSNP rs763136053, ClinGen allele CA1713677.